The following is an entry in ClinVar:

NM_024301.5(FKRP):c.502T>C (p.Cys168Arg)

Gene: FKRP (fukutin related protein; plus strand). Cytogenetic location: 19q13.32.
Variant type: single nucleotide variant.
Coding change: c.502T>C on transcript NM_024301.5 (MANE Select); coding-DNA position 502, T replaced by C.
Protein change: p.Cys168Arg; replaces cysteine 168 with arginine.
Molecular consequence: missense variant.
Genome position (GRCh38, 1-based): chr19:46,755,952, T>C. VCF-style: chr19-46755952-T-C. GRCh37 (hg19) VCF-style: chr19-47259209-T-C.
Other names: c.502T>C, p.Cys168Arg (NM_001039885.3); short protein forms C168R.
Identifiers: ClinVar variation 557519 (VCV000557519.4), dbSNP rs1555738483, ClinGen allele CA406495452.

ClinVar aggregate classification (germline): Conflicting classifications of pathogenicity. Review status: criteria provided, conflicting classifications (1 of 4 stars). 3 submissions from 3 submitters: Likely pathogenic (1); Uncertain significance (1). 1 of the submissions does not count toward it. Last evaluated 2024-04-26.

Conditions:
Autosomal recessive limb-girdle muscular dystrophy type 2I. Also called: MUSCULAR DYSTROPHY-DYSTROGLYCANOPATHY, LIMB-GIRDLE, FRKP-RELATED; MUSCULAR DYSTROPHY-DYSTROGLYCANOPATHY (LIMB-GIRDLE), TYPE C, 5; MUSCULAR DYSTROPHY, LIMB-GIRDLE, TYPE 2I. Identifiers: Orphanet 34515, MedGen C1846672, MONDO:0011787, OMIM 607155.
Muscular dystrophy-dystroglycanopathy (congenital with brain and eye anomalies), type A5. Also called: MUSCULAR DYSTROPHY-DYSTROGLYCANOPATHY (CONGENITAL WITH BRAIN AND EYE ANOMALIES), TYPE A, 5; WALKER-WARBURG SYNDROME OR MUSCLE-EYE-BRAIN DISEASE, FKRP-RELATED. Identifiers: Orphanet 588, Orphanet 899, MedGen C3150413, MONDO:0013157, OMIM 613153.

Allele frequency attached by ClinVar (database versions not stated): gnomAD exomes below 0.00001.

Submissions (3):

Women's Health and Genetics/Laboratory Corporation of America, LabCorp
Classification: Uncertain significance. Last evaluated: 2024-04-26. Review status: criteria provided, single submitter. Criteria: LabCorp Variant Classification Summary - May 2015. Collection method: clinical testing. Allele origin: germline.
Comment: Variant summary: FKRP c.502T>C (p.Cys168Arg) results in a non-conservative amino acid change in the encoded protein sequence. Five of five in-silico tools predict a damaging effect of the variant on protein function. The frequency data for this variant in gnomAD is considered unreliable, as metrics indicate poor data quality at this position. c.502T>C has been reported in the literature in one individual affected with congenital muscular dystrophy type 1C, Autosomal Recessive (Fu_2016). These data do not allow any conclusion about variant significance. To our knowledge, no experimental evidence demonstrating an impact on protein function has been reported. The following publications have been ascertained in the context of this evaluation (PMID: 27439679, 32864802). ClinVar contains an entry for this variant (Variation ID: 557519). Based on the evidence outlined above, the variant was classified as uncertain significance.

Baylor Genetics
Classification: Likely pathogenic for Muscular dystrophy-dystroglycanopathy (congenital with brain and eye anomalies), type A5. Last evaluated: 2023-03-09. Review status: criteria provided, single submitter. Criteria: ACMG Guidelines, 2015. Collection method: clinical testing. Allele origin: unknown.

Counsyl
Classification: Uncertain significance for Autosomal recessive limb-girdle muscular dystrophy type 2I. Last evaluated: 2018-03-28. Review status: no assertion criteria provided. Collection method: clinical testing. Allele origin: unknown. Not counted in ClinVar's aggregate classification.

Literature cited by the submitters: PubMed 32864802 (cited by Women's Health and Genetics/Laboratory Corporation of America, LabCorp); PubMed 27439679 (cited by Women's Health and Genetics/Laboratory Corporation of America, LabCorp and Counsyl).